The following is an entry in ClinVar:

NM_000218.3(KCNQ1):c.825C>G (p.Phe275Leu)

Gene: KCNQ1 (potassium voltage-gated channel subfamily Q member 1; plus strand). Cytogenetic location: 11p15.5.
Variant type: single nucleotide variant.
Coding change: c.825C>G on transcript NM_000218.3 (MANE Select); coding-DNA position 825, C replaced by G.
Protein change: p.Phe275Leu; replaces phenylalanine 275 with leucine.
Molecular consequence: missense variant. On other transcripts: intron variant (1).
Genome position (GRCh38, 1-based): chr11:2,572,890, C>G. VCF-style: chr11-2572890-C-G. GRCh37 (hg19) VCF-style: chr11-2594120-C-G.
Other names: c.825C>G, p.Phe275Leu (NM_001406836.1); c.555C>G, p.Phe185Leu (NM_001406837.1); c.444C>G, p.Phe148Leu (NM_181798.2); c.478-10545C>G (NM_001406838.1); short protein forms F148L, F185L, F275L.
Identifiers: ClinVar variation 2773470 (VCV002773470.2), dbSNP rs2493673932, ClinGen allele CA379131415.

ClinVar aggregate classification (germline): Uncertain significance (1 of 4 stars; one submission).

Conditions:
Cardiac arrhythmia. Also called: Arrhythmia; Cardiac rhythm disease. Identifiers: MedGen C0003811, MONDO:0007263, HP:0011675.

Submission:

Color Diagnostics, LLC DBA Color Health
Classification: Uncertain significance for Cardiac arrhythmia. Last evaluated: 2024-03-07. Review status: criteria provided, single submitter. Criteria: ACMG Guidelines, 2015. Collection method: clinical testing. Allele origin: germline.
Comment: This missense variant replaces phenylalanine with leucine at codon 275 of the KCNQ1 protein. Computational prediction suggests that this variant may have deleterious impact on protein structure and function (internally defined REVEL score threshold >= 0.7, PMID: 27666373). To our knowledge, functional studies have not been reported for this variant. This variant has not been reported in individuals affected with cardiovascular disorders in the literature. This variant has not been identified in the general population by the Genome Aggregation Database (gnomAD). The available evidence is insufficient to determine the role of this variant in disease conclusively. Therefore, this variant is classified as a Variant of Uncertain Significance.